The following is an entry in ClinVar:

NM_001206927.2(DNAH8):c.5410T>A (p.Ser1804Thr)

Gene: DNAH8 (dynein axonemal heavy chain 8; plus strand). Cytogenetic location: 6p21.2.
Variant type: single nucleotide variant.
Coding change: c.5410T>A on transcript NM_001206927.2 (MANE Select); coding-DNA position 5410, T replaced by A.
Protein change: p.Ser1804Thr; replaces serine 1804 with threonine.
Molecular consequence: missense variant.
Genome position (GRCh38, 1-based): chr6:38,851,618, T>A. VCF-style: chr6-38851618-T-A. GRCh37 (hg19) VCF-style: chr6-38819394-T-A.
Other names: c.4759T>A, p.Ser1587Thr (NM_001371.4); short protein forms S1587T, S1804T.
Identifiers: ClinVar variation 2785548 (VCV002785548.3), dbSNP rs1775753073, ClinGen allele CA364012223.

ClinVar aggregate classification (germline): Uncertain significance (1 of 4 stars; one submission).

Conditions:
Primary ciliary dyskinesia. Also called: Ciliary dyskinesia. Identifiers: Orphanet 244, MedGen C0008780, MONDO:0016575, HP:0012265.

gnomAD v4.1: 1 of 1,612,408 alleles (0.000062%); no homozygotes.

Submission:

Labcorp Genetics (formerly Invitae), Labcorp
Classification: Uncertain significance for Primary ciliary dyskinesia. Last evaluated: 2025-02-17. Review status: criteria provided, single submitter. Criteria: Invitae Variant Classification Sherloc (09022015). Collection method: clinical testing. Allele origin: germline.
Comment: This sequence change replaces serine, which is neutral and polar, with threonine, which is neutral and polar, at codon 1804 of the DNAH8 protein (p.Ser1804Thr). This variant is not present in population databases (gnomAD no frequency). This variant has not been reported in the literature in individuals affected with DNAH8-related conditions. ClinVar contains an entry for this variant (Variation ID: 2785548). Invitae Evidence Modeling of protein sequence and biophysical properties (such as structural, functional, and spatial information, amino acid conservation, physicochemical variation, residue mobility, and thermodynamic stability) indicates that this missense variant is expected to disrupt DNAH8 protein function with a positive predictive value of 80%. In summary, the available evidence is currently insufficient to determine the role of this variant in disease. Therefore, it has been classified as a Variant of Uncertain Significance.